The following is an entry in ClinVar:

ClinVar aggregate classification (germline): Uncertain significance (1 of 4 stars; one submission).

Submission:

GeneDx
Classification: Uncertain significance. Last evaluated: 2025-07-29. Review status: criteria provided, single submitter. Criteria: GeneDx Variant Classification Process June 2021. Collection method: clinical testing. Allele origin: germline. Affected: yes.
Comment: Not observed at significant frequency in large population cohorts (gnomAD); In silico analysis supports that this missense variant has a deleterious effect on protein structure/function; Has not been previously published as pathogenic or benign to our knowledge

NM_002025.4(AFF2):c.115C>A (p.Gln39Lys)

Gene: AFF2 (ALF transcription elongation factor 2; plus strand). Cytogenetic location: Xq28.
Variant type: single nucleotide variant.
Coding change: c.115C>A on transcript NM_002025.4 (MANE Select); coding-DNA position 115, C replaced by A.
Protein change: p.Gln39Lys; replaces glutamine 39 with lysine.
Molecular consequence: missense variant.
Genome position (GRCh38, 1-based): chrX:148,652,066, C>A. VCF-style: chrX-148652066-C-A. GRCh37 (hg19) VCF-style: chrX-147733587-C-A.
Other names: c.115C>A, p.Gln39Lys (NM_001169122.2, NM_001169123.2, NM_001169124.2 and 1 more transcripts); short protein forms Q39K.
Identifiers: ClinVar variation 4795504 (VCV004795504.1).